The following is an entry in ClinVar:

ClinVar aggregate classification (germline): Uncertain significance (1 of 4 stars; one submission).

Conditions:
Cardiovascular phenotype. Identifiers: MedGen CN230736.

Submission:

Ambry Genetics
Classification: Uncertain significance for Cardiovascular phenotype. Last evaluated: 2024-07-11. Review status: criteria provided, single submitter. Criteria: Ambry Variant Classification Scheme 2023. Collection method: clinical testing. Allele origin: germline.
Comment: The p.E109K variant (also known as c.325G>A), located in coding exon 3 of the APOA1 gene, results from a G to A substitution at nucleotide position 325. The glutamic acid at codon 109 is replaced by lysine, an amino acid with similar properties. This amino acid position is conserved. In addition, this alteration is predicted to be tolerated by in silico analysis. Based on the available evidence, the clinical significance of this variant remains unclear.

NM_000039.3(APOA1):c.325G>A (p.Glu109Lys)

Genes: APOA1 (apolipoprotein A1; minus strand), APOA1-AS (APOA1 antisense RNA; plus strand). Cytogenetic location: 11q23.3.
Variant type: single nucleotide variant.
Coding change: c.325G>A on transcript NM_000039.3 (MANE Select); coding-DNA position 325, G replaced by A.
Protein change: p.Glu109Lys; replaces glutamic acid 109 with lysine.
Molecular consequence: missense variant. On other transcripts: 5 prime UTR variant (3).
Genome position (GRCh38, 1-based): chr11:116,836,287, C>T on the plus strand (G>A on the coding strand, the complement: APOA1 is on the minus strand). VCF-style: chr11-116836287-C-T. GRCh37 (hg19) VCF-style: chr11-116707003-C-T.
Other names: c.325G>A, p.Glu109Lys (NM_001318017.2, NM_001318018.2, NM_001425090.1 and 1 more transcripts); c.-3G>A (NM_001318021.2, NM_001425091.1, NM_001425092.1); short protein forms E109K.
Identifiers: ClinVar variation 3414107 (VCV003414107.1).